The following is an entry in ClinVar:

NM_003114.5(SPAG1):c.1285_1294del (p.Gly429fs)

Genes: SPAG1 (sperm associated antigen 1; plus strand), LOC130000832 (ATAC-STARR-seq lymphoblastoid silent region 19412; plus strand). Cytogenetic location: 8q22.2.
Variant type: Microsatellite.
Coding change: c.1285_1294del on transcript NM_003114.5 (MANE Select); coding-DNA positions 1285 to 1294, 10 bases deleted (GGCGGCGGCG; older notation c.1285_1294delGGCGGCGGCG).
Protein change: p.Gly429fs; shifts the reading frame from glycine 429.
Molecular consequence: frameshift variant.
Genome position (GRCh38, 1-based): chr8:100,213,278-100,213,287, GGCGGCGGCG deleted; deleting any 10 consecutive bases within chr8:100,213,268-100,213,287 gives the same sequence; the c. name uses the placement nearest the transcript's 3' end. VCF-style (leftmost placement, unchanged base first): chr8-100213267-CGGCGGCGGCG-C. GRCh37 (hg19) VCF-style: chr8-101225495-CGGCGGCGGCG-C.
Other names: c.1285_1294del, p.Gly429fs (NM_001374321.1, NM_172218.3); short protein forms G429fs.
Identifiers: ClinVar variation 1768804 (VCV001768804.5), dbSNP rs918324226, ClinGen allele CA844564507.

ClinVar aggregate classification (germline): Pathogenic. Review status: criteria provided, multiple submitters, no conflicts (2 of 4 stars). 3 submissions from 3 submitters: Pathogenic (2). 1 of the submissions does not count toward it. Last evaluated 2025-09-28.

Conditions:
SPAG1-related disorder. Also called: SPAG1-related condition.
Primary ciliary dyskinesia. Also called: Ciliary dyskinesia. Identifiers: Orphanet 244, MedGen C0008780, MONDO:0016575, HP:0012265.
Primary ciliary dyskinesia 28. Also called: CILIARY DYSKINESIA, PRIMARY, 28, WITH OR WITHOUT SITUS INVERSUS. Identifiers: Orphanet 244, MedGen C3809706, MONDO:0014216, OMIM 615505.

Submissions (3):

Labcorp Genetics (formerly Invitae), Labcorp
Classification: Pathogenic for Primary ciliary dyskinesia 28. Last evaluated: 2025-09-28. Review status: criteria provided, single submitter. Criteria: Invitae Variant Classification Sherloc (09022015). Collection method: clinical testing. Allele origin: germline.
Comment: This sequence change creates a premature translational stop signal (p.Gly429Profs*17) in the SPAG1 gene. It is expected to result in an absent or disrupted protein product. Loss-of-function variants in SPAG1 are known to be pathogenic (PMID: 24055112). This variant is not present in population databases (gnomAD no frequency). This variant has not been reported in the literature in individuals affected with SPAG1-related conditions. For these reasons, this variant has been classified as Pathogenic.

Ambry Genetics
Classification: Pathogenic for Primary ciliary dyskinesia. Last evaluated: 2017-05-16. Review status: criteria provided, single submitter. Criteria: Ambry Variant Classification Scheme 2023. Collection method: clinical testing. Allele origin: germline.
Comment: The c.1285_1294del10 pathogenic mutation, located in coding exon 10 of the SPAG1 gene, results from a deletion of 10 nucleotides at nucleotide positions 1285 to 1294, causing a translational frameshift with a predicted alternate stop codon (p.G429Pfs*17). This alteration is expected to result in loss of function by premature protein truncation or nonsense-mediated mRNA decay. As such, this alteration is interpreted as a disease-causing mutation.

PreventionGenetics, part of Exact Sciences
Classification: Likely pathogenic for SPAG1-related condition. Last evaluated: 2024-09-25. Review status: no assertion criteria provided. Collection method: clinical testing. Allele origin: germline. Not counted in ClinVar's aggregate classification.
Comment: The SPAG1 c.1285_1294del10 variant is predicted to result in a frameshift and premature protein termination (p.Gly429Profs*17). To our knowledge, this variant has not been reported in the literature in individuals with primary ciliary dyskinesia. This variant has not been reported in a large population database, indicating this variant is rare. Frameshift variants in SPAG1 are expected to be pathogenic. This variant is interpreted as likely pathogenic.

Literature cited by the submitters: PubMed 24055112 (cited by Labcorp Genetics (formerly Invitae), Labcorp).